The following is an entry in ClinVar:

NM_147127.5(EVC2):c.3265C>T (p.Gln1089Ter)

Gene: EVC2 (EvC ciliary complex subunit 2; minus strand). Cytogenetic location: 4p16.2.
Variant type: single nucleotide variant.
Coding change: c.3265C>T on transcript NM_147127.5 (MANE Select); coding-DNA position 3265, C replaced by T.
Protein change: p.Gln1089Ter; replaces glutamine 1089 with a stop codon.
Molecular consequence: nonsense.
Genome position (GRCh38, 1-based): chr4:5,576,247, G>A on the plus strand (C>T on the coding strand, the complement: EVC2 is on the minus strand). VCF-style: chr4-5576247-G-A. GRCh37 (hg19) VCF-style: chr4-5577974-G-A.
Other names: c.3025C>T, p.Gln1009Ter (NM_001166136.2); short protein forms Q1009*, Q1089*.
Identifiers: ClinVar variation 3386 (VCV000003386.25), dbSNP rs137852927, ClinGen allele CA116172.

ClinVar aggregate classification (germline): Pathogenic. Review status: criteria provided, multiple submitters, no conflicts (2 of 4 stars). 9 submissions from 9 submitters: Pathogenic (8). 1 of the submissions does not count toward it. Last evaluated 2025-12-06.

Conditions:
Inborn genetic diseases. Identifiers: MedGen C0950123, MeSH D030342.
Ellis-van Creveld syndrome (EVC). Also called: MESOECTODERMAL DYSPLASIA; EVC-Related Ellis-van Creveld Syndrome; EVC2-Related Ellis-van Creveld Syndrome; Chondroectodermal dysplasia. Identifiers: Orphanet 289, MedGen C0013903, MONDO:0009162, OMIM 225500.
Curry-Hall syndrome (WAD). Also called: WEYERS ACRODENTAL DYSOSTOSIS. Identifiers: Orphanet 952, MedGen C0457013, MONDO:0008673, OMIM 193530.

Allele frequency attached by ClinVar (database versions not stated): gnomAD exomes 0.00006 and 0.00008; TOPMed 0.00006; ExAC 0.00008; gnomAD 0.00008.
gnomAD v4.1: 103 of 1,614,078 alleles (0.0064%); highest among the groups gnomAD compares: Admixed American, 0.0017%; no homozygotes.

Submissions (9):

Labcorp Genetics (formerly Invitae), Labcorp
Classification: Pathogenic for Curry-Hall syndrome; Ellis-van Creveld syndrome. Last evaluated: 2025-12-06. Review status: criteria provided, single submitter. Criteria: Invitae Variant Classification Sherloc (09022015). Collection method: clinical testing. Allele origin: germline.
Comment: This sequence change creates a premature translational stop signal (p.Gln1089*) in the EVC2 gene. It is expected to result in an absent or disrupted protein product. Loss-of-function variants in EVC2 are known to be pathogenic (PMID: 17024374, 19810119, 19876929). This variant is present in population databases (rs137852927, gnomAD 0.2%). This premature translational stop signal has been observed in individual(s) with autosomal recessive Ellis-van Creveld syndrome (PMID: 12468274, 23220543). This variant is also known as C3754T (Q1009X). ClinVar contains an entry for this variant (Variation ID: 3386). Algorithms developed to predict the effect of sequence changes on RNA splicing suggest that this variant may disrupt the consensus splice site. For these reasons, this variant has been classified as Pathogenic.

Women's Health and Genetics/Laboratory Corporation of America, LabCorp
Classification: Pathogenic for Ellis-van Creveld syndrome. Last evaluated: 2025-10-03. Review status: criteria provided, single submitter. Criteria: LabCorp Variant Classification Summary - May 2015. Collection method: clinical testing. Allele origin: germline.
Comment: Variant summary: EVC2 c.3265C>T (p.Gln1089X) results in a premature termination codon, predicted to cause absence of the protein due to nonsense mediated decay, which is a commonly known mechanism for disease. The variant allele was found at a frequency of 8e-05 in 251478 control chromosomes. This frequency is not significantly higher than estimated for disease-causing variants in EVC2, allowing no conclusion about variant significance. c.3265C>T has been observed in at-least one individual affected with Ellis-van Creveld syndrome (example, Galdzicka_2002). These data indicate that the variant may be associated with disease. To our knowledge, no experimental evidence demonstrating an impact on protein function has been reported. The following publication has been ascertained in the context of this evaluation (PMID: 12468274). ClinVar contains an entry for this variant (Variation ID: 3386). Based on the evidence outlined above, the variant was classified as pathogenic.

GeneDx
Classification: Pathogenic. Last evaluated: 2024-07-31. Review status: criteria provided, single submitter. Criteria: GeneDx Variant Classification Process June 2021. Collection method: clinical testing. Allele origin: germline. Affected: yes.
Comment: Nonsense variant predicted to result in protein truncation or nonsense mediated decay in a gene for which loss-of-function is a known mechanism of disease; This variant is associated with the following publications: (PMID: 19876929, 25525159, 23220543, 12468274, 31980526, 34682862, 38163170, 30476936, 31428121)

Fulgent Genetics
Classification: Pathogenic for Curry-Hall syndrome; Ellis-van Creveld syndrome. Last evaluated: 2024-03-25. Review status: criteria provided, single submitter. Criteria: ACMG Guidelines, 2015. Collection method: clinical testing. Allele origin: germline.

Victorian Clinical Genetics Services, Murdoch Childrens Research Institute
Classification: Pathogenic for Ellis-van Creveld syndrome. Last evaluated: 2022-03-31. Review status: criteria provided, single submitter. Criteria: ACMG Guidelines, 2015. Collection method: clinical testing. Allele origin: germline. Inheritance: Autosomal recessive inheritance. Affected: yes.
Comment: Based on the classification scheme VCGS_Germline_v1.3.4, this variant is classified as Pathogenic. Following criteria are met: 0103 - Loss of function is a known mechanisms of disease in this gene and are associated with recessive Ellis-van Creveld syndrome (MIM#225500). Gain of function and dominant negative is likely the mechanism associated with dominant Weyers acrofacial dysostosis (MIM#193530) (PMID: 19810119). (I) 0108 - This gene is associated with both recessive and dominant disease (OMIM). (I) 0201 - Variant is predicted to cause nonsense-mediated decay (NMD) and loss of protein (premature termination codon is located at least 54 nucleotides upstream of the final exon-exon junction). (SP) 0251 - This variant is heterozygous. (I) 0304 - Variant is present in gnomAD (v2) <0.01 for a recessive condition (20 heterozygotes, 0 homozygotes). (SP) 0701 - Other NMD predicted variants comparable to the one identified in this case have very strong previous evidence for pathogenicity (ClinVar). (SP) 0801 - This variant has strong previous evidence of pathogenicity in unrelated individuals. This variant has been reported in both homozygous and compound heterozgyous individuals with Ellis-van Creveld syndrome (PMID: 12468274, 23220543). It has also been reported multiple times as pathogenic in ClinVar. (SP) 1208 - Inheritance information for this variant is not currently available in this individual. (I) Legend: (SP) - Supporting pathogenic, (I) - Information, (SB) - Supporting benign

Myriad Genetics, Inc.
Classification: Pathogenic for Ellis-van Creveld syndrome. Last evaluated: 2019-12-20. Review status: criteria provided, single submitter. Criteria: Myriad Women's Health Autosomal Recessive and X-Linked Classification Criteria (2019). Collection method: clinical testing. Allele origin: unknown.
Comment: NM_147127.4(EVC2):c.3265C>T(Q1089*) is classified as pathogenic in the context of EVC2-related Ellis-van Creveld syndrome. Sources cited for classification include the following: PMID 23220543 and 12468274. Classification of NM_147127.4(EVC2):c.3265C>T(Q1089*) is based on the following criteria: The variant causes a premature termination codon that is expected to be targeted by nonsense-mediated mRNA decay and is reported in individuals with the relevant phenotype. Please note: this variant was assessed in the context of healthy population screening.

Laboratory for Molecular Medicine, Mass General Brigham Personalized Medicine
Classification: Pathogenic for Chondroectodermal dysplasia. Last evaluated: 2018-10-10. Review status: criteria provided, single submitter. Criteria: LMM Criteria. Collection method: clinical testing. Allele origin: germline. Observed: 1 variant allele.
Comment: The p.Gln1089X variant in EVC2 has been reported in the homozygous state in one individual with Ellis-van Creveld syndrome (Galdzicka 2002). It has also been id entified in 0.15% (15/9850) of European chromosomes by gnomAD. This nonsense variant leads to a premature termination codon a t position 1089, which is predicted to lead to a truncated or absent protein. Bi allelic loss of function variants in EVC2 have been reported as disease causing in several individuals with Ellis-van Creveld syndrome. In summary, this variant meets criteria to be classified as pathogenic for autosomal recessive Ellis-van Creveld syndrome based on a case observation and the predicted impact on the pr otein. ACMG/AMP criteria applied: PVS1, PP4, PM3_Supporting.

Ambry Genetics
Classification: Pathogenic for Inborn genetic diseases. Last evaluated: 2017-12-18. Review status: criteria provided, single submitter. Criteria: Ambry exome assertion method (8-5-2015). Collection method: clinical testing. Allele origin: germline. Affected: yes. Observed: 1 variant allele.

OMIM
Classification: Pathogenic for ELLIS-VAN CREVELD SYNDROME. Last evaluated: 2002-12-01. Review status: no assertion criteria provided. Collection method: literature only. Allele origin: germline. Not counted in ClinVar's aggregate classification.

Literature cited by the submitters: PubMed 17024374 (cited by Labcorp Genetics (formerly Invitae), Labcorp); PubMed 19810119 (cited by Labcorp Genetics (formerly Invitae), Labcorp and Victorian Clinical Genetics Services, Murdoch Childrens Research Institute); PubMed 19876929 (cited by Labcorp Genetics (formerly Invitae), Labcorp and Laboratory for Molecular Medicine, Mass General Brigham Personalized Medicine); PubMed 12468274 (cited by 7 submitters); PubMed 23220543 (cited by 3 submitters); PubMed 25525159 (cited by Laboratory for Molecular Medicine, Mass General Brigham Personalized Medicine).